The following is an entry in ClinVar:

NM_001687.5(ATP5F1D):c.-10C>T

Gene: ATP5F1D (ATP synthase F1 subunit delta; plus strand). Cytogenetic location: 19p13.3.
Variant type: single nucleotide variant.
Coding change: c.-10C>T on transcript NM_001687.5 (MANE Select); 10 bases upstream of the start codon, C replaced by T.
Molecular consequence: 5 prime UTR variant.
Genome position (GRCh38, 1-based): chr19:1,241,841, C>T. VCF-style: chr19-1241841-C-T. GRCh37 (hg19) VCF-style: chr19-1241840-C-T.
Other names: c.-10C>T (NM_001001975.2).
Identifiers: ClinVar variation 3030918 (VCV003030918.2), dbSNP rs967974258, ClinGen allele CA304013745.
Genomic context (GRCh38, chr19:1,241,841, plus strand): 5'-TCCAGGCCGCCCGCGCCGCGCCGGAGTCCGCTGTCCGCCAGCTACCCGCTTCCTGCCGCC[C>T]GCCGCTGCCATGCTGCCCGCCGCGCTGCTCCGCCGCCCGGGACTTGGCCGCCTCGTCCGC-3'

ClinVar aggregate classification (germline): Likely benign (0 of 4 stars; one submission).

Conditions:
ATP5F1D-related disorder. Also called: ATP5F1D-related condition.

Allele frequency attached by ClinVar (database versions not stated): gnomAD 0.00011; TOPMed 0.00019.
gnomAD v4.1: 66 of 1,333,778 alleles (0.0049%); highest among the groups gnomAD compares: African/African-American, 0.039%; 1 homozygote.

Submission:

PreventionGenetics, part of Exact Sciences
Classification: Likely benign for ATP5F1D-related condition. Last evaluated: 2021-05-03. Review status: no assertion criteria provided. Collection method: clinical testing. Allele origin: germline.
Comment: This variant is classified as likely benign based on ACMG/AMP sequence variant interpretation guidelines (Richards et al. 2015 PMID: 25741868, with internal and published modifications).